The following is an entry in ClinVar:

ClinVar aggregate classification (germline): Uncertain significance (1 of 4 stars; one submission).

Conditions:
Charcot-Marie-Tooth disease type 2. Also called: Charcot-Marie-Tooth type 2. Identifiers: Orphanet 64746, MedGen C0270914, MONDO:0018993.

Submission:

Labcorp Genetics (formerly Invitae), Labcorp
Classification: Uncertain significance for Charcot-Marie-Tooth disease type 2. Last evaluated: 2024-04-12. Review status: criteria provided, single submitter. Criteria: Invitae Variant Classification Sherloc (09022015). Collection method: clinical testing. Allele origin: germline.
Comment: This sequence change replaces proline, which is neutral and non-polar, with serine, which is neutral and polar, at codon 576 of the LMNA protein (p.Pro576Ser). This variant is not present in population databases (gnomAD no frequency). This variant has not been reported in the literature in individuals affected with LMNA-related conditions. ClinVar contains an entry for this variant (Variation ID: 1502836). Advanced modeling of protein sequence and biophysical properties (such as structural, functional, and spatial information, amino acid conservation, physicochemical variation, residue mobility, and thermodynamic stability) has been performed at Invitae for this missense variant, however the output from this modeling did not meet the statistical confidence thresholds required to predict the impact of this variant on LMNA protein function. In summary, the available evidence is currently insufficient to determine the role of this variant in disease. Therefore, it has been classified as a Variant of Uncertain Significance.

NM_170707.4(LMNA):c.1726C>T (p.Pro576Ser)

Gene: LMNA (lamin A/C; plus strand). Cytogenetic location: 1q22.
Variant type: single nucleotide variant.
Coding change: c.1726C>T on transcript NM_170707.4 (MANE Select); coding-DNA position 1726, C replaced by T.
Protein change: p.Pro576Ser; replaces proline 576 with serine.
Molecular consequence: missense variant.
Genome position (GRCh38, 1-based): chr1:156,138,515, C>T. VCF-style: chr1-156138515-C-T. GRCh37 (hg19) VCF-style: chr1-156108306-C-T.
Other names: c.1390C>T, p.Pro464Ser (NM_001257374.3); c.1726C>T, p.Pro576Ser (NM_001282626.2); c.1636C>T, p.Pro546Ser (NM_170708.4); short protein forms P464S, P576S, P546S.
Identifiers: ClinVar variation 1502836 (VCV001502836.8), dbSNP rs2102901156, ClinGen allele CA342826409.
Genomic context (GRCh38, chr1:156,138,515, plus strand): 5'-GCCGTCCCGCCTGAGCCTTGTCTCCCTTCCCAGGGCTCCCACTGCAGCAGCTCGGGGGAC[C>T]CCGCTGAGTACAACCTGCGCTCGCGCACCGTGCTGTGCGGGACCTGCGGGCAGCCTGCCG-3'
Protein context (NP_733821.1, residues 566-586): HGSHCSSSGD[Pro576Ser]AEYNLRSRTV